The following is an entry in ClinVar:

NM_004655.4(AXIN2):c.1060-17C>T

Gene: AXIN2 (axin 2; minus strand). Cytogenetic location: 17q24.1.
Variant type: single nucleotide variant.
Coding change: c.1060-17C>T on transcript NM_004655.4 (MANE Select); 17 bases into the intron before coding-DNA position 1060, C replaced by T.
Molecular consequence: intron variant.
Genome position (GRCh38, 1-based): chr17:65,538,360, G>A on the plus strand (C>T on the coding strand, the complement: AXIN2 is on the minus strand). VCF-style: chr17-65538360-G-A. GRCh37 (hg19) VCF-style: chr17-63534478-G-A.
Other names: c.1060-17C>T (LRG_296t1, NM_001363813.1).
Identifiers: ClinVar variation 496274 (VCV000496274.18), dbSNP rs35399989, ClinGen allele CA8718869.

ClinVar aggregate classification (germline): Benign/Likely benign. Review status: criteria provided, multiple submitters, no conflicts (2 of 4 stars). 10 submissions from 10 submitters: Benign (7); Likely benign (1). 2 of the submissions do not count toward it. Last evaluated 2026-02-04.

Conditions:
Oligodontia-cancer predisposition syndrome. Also called: TOOTH AGENESIS-COLORECTAL CANCER SYNDROME. Identifiers: Orphanet 300576, MedGen C1837750, MONDO:0012075, OMIM 608615. Disease mechanism: loss of function.
Hereditary cancer-predisposing syndrome. Also called: Hereditary neoplastic syndrome; Neoplastic Syndromes, Hereditary; Tumor predisposition; Hereditary Cancer Syndrome. Identifiers: Orphanet 140162, MedGen C0027672, MeSH D009386, MONDO:0015356.

Allele frequency attached by ClinVar (database versions not stated): gnomAD exomes 0.10780 and 0.11627; ExAC 0.11876; gnomAD 0.13968 and 0.13976; TOPMed 0.14490; ESP Exome Variant Server 0.14762; 1000 Genomes Project 30x 0.16240; 1000 Genomes Project 0.16414.

Submissions (10):

Labcorp Genetics (formerly Invitae), Labcorp
Classification: Benign for Oligodontia-cancer predisposition syndrome. Last evaluated: 2026-02-04. Review status: criteria provided, single submitter. Criteria: Invitae Variant Classification Sherloc (09022015). Collection method: clinical testing. Allele origin: germline.

Molecular Diagnostics Laboratory, Catalan Institute of Oncology
Classification: Benign for Hereditary cancer-predisposing syndrome. Last evaluated: 2025-08-25. Review status: criteria provided, single submitter. Criteria: ACMG Guidelines, 2015. Collection method: clinical testing. Allele origin: germline.
Comment: BA1 AXIN2 c.1060-17C>T, is an intronic variant at or beyond +7/21.The variant allele was found in 12654/116744 alleles, with a filtering allele frequency of 10.61% at 99% confidence, within the NFE population in the gnomAD v2.1.1 database (non-cancer data set) (BA1). Additional information has not been evaluated for this variant. Based on the currently available evidence, c.1060-17C>T is classified as a benign variant according to ACMG guidelines.

GeneKor MSA
Classification: Benign for Hereditary cancer-predisposing syndrome. Last evaluated: 2025-07-10. Review status: criteria provided, single submitter. Criteria: ACMG Guidelines, 2015. Collection method: clinical testing. Allele origin: germline.

Blueprint Genetics
Classification: Likely benign. Last evaluated: 2024-11-28. Review status: criteria provided, single submitter. Criteria: ACMG Guidelines, 2015. Collection method: clinical testing. Allele origin: germline.

Myriad Genetics, Inc.
Classification: Benign for Oligodontia-cancer predisposition syndrome. Last evaluated: 2024-07-01. Review status: criteria provided, single submitter. Criteria: Myriad Autosomal Dominant, Autosomal Recessive and X-Linked Classification Criteria (2023). Collection method: clinical testing. Allele origin: unknown.
Comment: This variant is considered benign. This variant is intronic and is not expected to impact mRNA splicing. This variant has been observed at a population frequency that is significantly greater than expected given the associated disease prevalence and penetrance.

Women's Health and Genetics/Laboratory Corporation of America, LabCorp
Classification: Benign. Last evaluated: 2016-04-28. Review status: criteria provided, single submitter. Criteria: LabCorp Variant Classification Summary - May 2015. Collection method: clinical testing. Allele origin: germline.
Comment: Variant summary: The variant of interest is located at a non-conserved intronic position not widely known to affect splicing with 5/5 in silico programs in Alamut predicting no significant effect on splicicng. The variant of interest was observed in the large and broad control population of ExAC with an allele frequency of 14338/120728 (1/8 including 966 homozygotes), which greatly exceeds the predicted maximum expected allele frequency for a pathogenic AXIN2 variant of 1/7037. Therefore, the variant of interest is classified as Benign.

GeneDx
Classification: Benign. Last evaluated: 2015-03-03. Review status: criteria provided, single submitter. Criteria: GeneDx Variant Classification Process June 2021. Collection method: clinical testing. Allele origin: germline. Affected: yes.

Breakthrough Genomics
Classification: Benign. Review status: criteria provided, single submitter. Criteria: ACMG Guidelines, 2015. Collection method: not provided. Allele origin: germline. Inheritance: Autosomal dominant inheritance. Affected: yes.

Clinical Genetics, Academic Medical Center
Classification: Benign. Review status: no assertion criteria provided. Collection method: clinical testing. Allele origin: germline. Affected: yes. Study: VKGL Data-share Consensus. Not counted in ClinVar's aggregate classification.

Genome Diagnostics Laboratory, University Medical Center Utrecht
Classification: Benign. Review status: no assertion criteria provided. Collection method: clinical testing. Allele origin: germline. Affected: yes. Study: VKGL Data-share Consensus. Not counted in ClinVar's aggregate classification.